The following is an entry in ClinVar:

ClinVar aggregate classification (germline): Uncertain significance (1 of 4 stars; one submission).

Submission:

Greenwood Genetic Center Diagnostic Laboratories, Greenwood Genetic Center
Classification: Uncertain significance. Last evaluated: 2024-10-09. Review status: criteria provided, single submitter. Criteria: ACMG Guidelines, 2015. Collection method: clinical testing. Allele origin: germline. Affected: yes.
Comment: PM2, BP4

NM_015136.3(STAB1):c.824C>T (p.Pro275Leu)

Gene: STAB1 (stabilin 1; plus strand). Cytogenetic location: 3p21.1.
Variant type: single nucleotide variant.
Coding change: c.824C>T on transcript NM_015136.3 (MANE Select); coding-DNA position 824, C replaced by T.
Protein change: p.Pro275Leu; replaces proline 275 with leucine.
Molecular consequence: missense variant.
Genome position (GRCh38, 1-based): chr3:52,503,473, C>T. VCF-style: chr3-52503473-C-T. GRCh37 (hg19) VCF-style: chr3-52537489-C-T.
Other names: short protein forms P275L.
Identifiers: ClinVar variation 3765702 (VCV003765702.1).